The following is an entry in ClinVar:

ClinVar aggregate classification (germline): Conflicting classifications of pathogenicity. Review status: criteria provided, conflicting classifications (1 of 4 stars). 2 submissions from 2 submitters: Uncertain significance (1); Likely benign (1). Last evaluated 2025-01-30.

Conditions:
Hereditary cancer-predisposing syndrome. Also called: Hereditary neoplastic syndrome; Neoplastic Syndromes, Hereditary; Hereditary Cancer Syndrome; Tumor predisposition. Identifiers: Orphanet 140162, MedGen C0027672, MeSH D009386, MONDO:0015356.
Ataxia-telangiectasia syndrome (AT). Also called: LOUIS-BAR SYNDROME; Cerebello-oculocutaneous telangiectasia; Immunodeficiency with ataxia telangiectasia; ATAXIA-TELANGIECTASIA, COMPLEMENTATION GROUP A; ATAXIA-TELANGIECTASIA, FRESNO VARIANT; Ataxia-telangiectasia, complementation group D. Identifiers: Orphanet 100, MedGen C0004135, MONDO:0008840, OMIM 208900.

Submissions (2):

Ambry Genetics
Classification: Likely benign for Hereditary cancer-predisposing syndrome. Last evaluated: 2025-01-30. Review status: criteria provided, single submitter. Criteria: Ambry Variant Classification Scheme 2023. Collection method: clinical testing. Allele origin: germline.

Labcorp Genetics (formerly Invitae), Labcorp
Classification: Uncertain significance for Ataxia-telangiectasia syndrome. Last evaluated: 2022-09-24. Review status: criteria provided, single submitter. Criteria: Invitae Variant Classification Sherloc (09022015). Collection method: clinical testing. Allele origin: germline.
Comment: This variant has not been reported in the literature in individuals affected with ATM-related conditions. This variant is not present in population databases (gnomAD no frequency). This sequence change replaces serine, which is neutral and polar, with tyrosine, which is neutral and polar, at codon 132 of the ATM protein (p.Ser132Tyr). ClinVar contains an entry for this variant (Variation ID: 1416002). In summary, the available evidence is currently insufficient to determine the role of this variant in disease. Therefore, it has been classified as a Variant of Uncertain Significance. Algorithms developed to predict the effect of missense changes on protein structure and function (SIFT, PolyPhen-2, Align-GVGD) all suggest that this variant is likely to be tolerated.

NM_000051.4(ATM):c.395C>A (p.Ser132Tyr)

Gene: ATM (ATM serine/threonine kinase; plus strand). Cytogenetic location: 11q22.3.
Variant type: single nucleotide variant.
Coding change: c.395C>A on transcript NM_000051.4 (MANE Select); coding-DNA position 395, C replaced by A.
Protein change: p.Ser132Tyr; replaces serine 132 with tyrosine.
Molecular consequence: missense variant.
Genome position (GRCh38, 1-based): chr11:108,235,733, C>A. VCF-style: chr11-108235733-C-A. GRCh37 (hg19) VCF-style: chr11-108106460-C-A.
Other names: c.395C>A, p.Ser132Tyr (NM_001351834.2); c.395C>A (NM_000051.3); short protein forms S132Y.
Identifiers: ClinVar variation 1416002 (VCV001416002.8), dbSNP rs750969764, ClinGen allele CA382524921.